The following is an entry in ClinVar:

NM_006915.3(RP2):c.249del (p.Ile83fs)

Gene: RP2 (RP2 activator of ARL3 GTPase; plus strand). Cytogenetic location: Xp11.3.
Variant type: Deletion.
Coding change: c.249del on transcript NM_006915.3 (MANE Select); coding-DNA position 249, one base deleted (T; older notation c.249delT).
Protein change: p.Ile83fs; shifts the reading frame from isoleucine 83.
Molecular consequence: frameshift variant.
Genome position (GRCh38, 1-based): chrX:46,853,622, T deleted; the last of 2 consecutive T bases (chrX:46,853,621-46,853,622); deleting either gives the same sequence. VCF-style (leftmost placement, unchanged base first): chrX-46853620-AT-A. GRCh37 (hg19) VCF-style: chrX-46713055-AT-A.
Other names: short protein forms I83fs.
Identifiers: ClinVar variation 1353451 (VCV001353451.6), dbSNP rs2147081227, ClinGen allele CA2573158915.
Genomic context (GRCh38, chrX:46,853,620, plus strand): 5'-CTCATTCAAGACTGTGAGAACTGTAACATCTATATTTTTGATCACTCTGCTACAGTTACC[AT>A]TGATGACTGTACTAACTGCATAATTTTTCTGGGACCCGTGAAAGGCAGCGTGTTTTTCCG-3'

ClinVar aggregate classification (germline): Pathogenic (1 of 4 stars; one submission).

Submission:

Labcorp Genetics (formerly Invitae), Labcorp
Classification: Pathogenic. Last evaluated: 2022-11-01. Review status: criteria provided, single submitter. Criteria: Invitae Variant Classification Sherloc (09022015). Collection method: clinical testing. Allele origin: germline.
Comment: ClinVar contains an entry for this variant (Variation ID: 1353451). For these reasons, this variant has been classified as Pathogenic. This variant has not been reported in the literature in individuals affected with RP2-related conditions. This variant is not present in population databases (gnomAD no frequency). This sequence change creates a premature translational stop signal (p.Ile83Metfs*8) in the RP2 gene. It is expected to result in an absent or disrupted protein product. Loss-of-function variants in RP2 are known to be pathogenic (PMID: 11992260, 20625056).

Literature cited by the submitters: PubMed 11992260; PubMed 20625056.